The following is an entry in ClinVar:

ClinVar aggregate classification (germline): Uncertain significance. Review status: criteria provided, multiple submitters, no conflicts (2 of 4 stars). 3 submissions from 3 submitters: Uncertain significance (3). Last evaluated 2025-06-25.

Conditions:
Nemaline myopathy 2 (NEM2). Also called: Nemaline myopathy 2, autosomal recessive. Identifiers: MedGen C1850569, MONDO:0009725, OMIM 256030.

Allele frequency attached by ClinVar (database versions not stated): gnomAD 0.00005; gnomAD exomes 0.00008 and 0.00002; ExAC 0.00001; TOPMed 0.00005.
gnomAD v4.1: 136 of 1,588,710 alleles (0.0086%); highest among the groups gnomAD compares: Non-Finnish European, 0.01%; no homozygotes.

Submissions (3):

Revvity Omics, Revvity
Classification: Uncertain significance. Last evaluated: 2025-06-25. Review status: criteria provided, single submitter. Criteria: ACMG Guidelines, 2015. Collection method: clinical testing. Allele origin: germline.

GeneDx
Classification: Uncertain significance. Last evaluated: 2024-04-21. Review status: criteria provided, single submitter. Criteria: GeneDx Variant Classification Process June 2021. Collection method: clinical testing. Allele origin: germline. Affected: yes.
Comment: Not observed at significant frequency in large population cohorts (gnomAD); In silico analysis indicates that this missense variant does not alter protein structure/function; Has not been previously published as pathogenic or benign to our knowledge

Labcorp Genetics (formerly Invitae), Labcorp
Classification: Uncertain significance for Nemaline myopathy 2. Last evaluated: 2024-01-29. Review status: criteria provided, single submitter. Criteria: Invitae Variant Classification Sherloc (09022015). Collection method: clinical testing. Allele origin: germline.
Comment: This sequence change replaces glutamine, which is neutral and polar, with arginine, which is basic and polar, at codon 2163 of the NEB protein (p.Gln2163Arg). This variant is present in population databases (rs200813844, gnomAD 0.003%). This variant has not been reported in the literature in individuals affected with NEB-related conditions. ClinVar contains an entry for this variant (Variation ID: 514587). Experimental studies and prediction algorithms are not available or were not evaluated, and the functional significance of this variant is currently unknown. In summary, the available evidence is currently insufficient to determine the role of this variant in disease. Therefore, it has been classified as a Variant of Uncertain Significance.

NM_001164508.2(NEB):c.6488A>G (p.Gln2163Arg)

Gene: NEB (nebulin; minus strand). Cytogenetic location: 2q23.3.
Variant type: single nucleotide variant.
Coding change: c.6488A>G on transcript NM_001164508.2 (MANE Select); coding-DNA position 6488, A replaced by G.
Protein change: p.Gln2163Arg; replaces glutamine 2163 with arginine.
Molecular consequence: missense variant.
Genome position (GRCh38, 1-based): chr2:151,656,160, T>C on the plus strand (A>G on the coding strand, the complement: NEB is on the minus strand). VCF-style: chr2-151656160-T-C. GRCh37 (hg19) VCF-style: chr2-152512674-T-C.
Other names: c.6488A>G, p.Gln2163Arg (NM_001164507.2, NM_001271208.2, NM_004543.5); short protein forms Q2163R.
Identifiers: ClinVar variation 514587 (VCV000514587.11), dbSNP rs200813844, ClinGen allele CA1910091.